The following is an entry in ClinVar:

NM_000112.4(SLC26A2):c.-26+1G>A

Gene: SLC26A2 (solute carrier family 26 member 2; plus strand). Cytogenetic location: 5q32.
Variant type: single nucleotide variant.
Coding change: c.-26+1G>A on transcript NM_000112.4 (MANE Select); the canonical splice donor site of the intron after 26 bases upstream of the start codon, G replaced by A.
Molecular consequence: splice donor variant.
Genome position (GRCh38, 1-based): chr5:149,960,980, G>A. VCF-style: chr5-149960980-G-A. GRCh37 (hg19) VCF-style: chr5-149340543-G-A.
Identifiers: ClinVar variation 1803123 (VCV001803123.1), dbSNP rs1581223549, ClinGen allele CA916084391.

ClinVar aggregate classification (germline): Likely pathogenic (1 of 4 stars; one submission).

Conditions:
Achondrogenesis, type IB (ACG1B). Also called: Achondrogenesis Type 1B. Identifiers: Orphanet 932, Orphanet 93298, MedGen C0265274, MONDO:0010966, OMIM 600972.

Allele frequency attached by ClinVar (database versions not stated): gnomAD 0.00001.

Submission:

Genetics and Molecular Pathology, SA Pathology
Classification: Likely pathogenic for Achondrogenesis, type IB. Last evaluated: 2020-05-25. Review status: criteria provided, single submitter. Criteria: ACMG Guidelines, 2015. Collection method: clinical testing. Allele origin: germline. Affected: yes.
Comment: PVS1, PM2 The SLC26A2 c.-26+1G>T variant is a single nucleotide change from a guanine to a thymine at the canonical splice donor site in the 5’UTR. The variant has not been described in the literature to date. A Finnish founder mutation has been described at the adjacent c.-26+2T>C position of the same canonical splice site which is considered pathogenic and for which RNA studies have shown aberrant splicing and reduced mRNA levels (PMID: 10482955; PMID: 11241838). Individuals homozygous for the c.-26+2T>C variant tend to present with a phenotype that is intermediate in severity and diastrophic dysplasia (MIM 222600). Phenotypic differences have been observed between individuals with the same SLC26A2 variant (PMID: 32295296). The c.-26+1G>T variant observed in this patient has not been reported in dbSNP and is absent from population databases (PM2). The variant has not been reported in the ClinVar or HGMD disease databases. Computational splice predictions and its location adjacent to the Finnish founder mutation within the same canonical splice site suggest that the variant may alter splicing and result in severely reduced mRNA levels (PVS1). The variant is located in a predicted region of homozygosity on chromosome 5.

Literature cited by the submitters: PubMed 10482955; PubMed 11241838; PubMed 32295296.